The following is an entry in ClinVar:

NM_000260.4(MYO7A):c.1094A>C (p.Asp365Ala)

Gene: MYO7A (myosin VIIA; plus strand). Cytogenetic location: 11q13.5.
Variant type: single nucleotide variant.
Coding change: c.1094A>C on transcript NM_000260.4 (MANE Select); coding-DNA position 1094, A replaced by C.
Protein change: p.Asp365Ala; replaces aspartic acid 365 with alanine.
Molecular consequence: missense variant.
Genome position (GRCh38, 1-based): chr11:77,160,176, A>C. VCF-style: chr11-77160176-A-C. GRCh37 (hg19) VCF-style: chr11-76871222-A-C.
Other names: c.1094A>C, p.Asp365Ala (NM_001127180.2); c.1061A>C, p.Asp354Ala (NM_001369365.1); short protein forms D354A, D365A.
Identifiers: ClinVar variation 870796 (VCV000870796.43), dbSNP rs924913478, ClinGen allele CA224830456.

ClinVar aggregate classification (germline): Uncertain significance. Review status: criteria provided, multiple submitters, no conflicts (2 of 4 stars). 2 submissions from 2 submitters: Uncertain significance (2). Last evaluated 2021-12-16.

Allele frequency attached by ClinVar (database versions not stated): gnomAD 0.00001; TOPMed 0.00001.
gnomAD v4.1: 4 of 1,562,994 alleles (0.00026%); highest among the groups gnomAD compares: African/African-American, 0.0054%; no homozygotes.

Submissions (2):

Labcorp Genetics (formerly Invitae), Labcorp
Classification: Uncertain significance. Last evaluated: 2021-12-16. Review status: criteria provided, single submitter. Criteria: Invitae Variant Classification Sherloc (09022015). Collection method: clinical testing. Allele origin: germline.
Comment: This sequence change replaces aspartic acid, which is acidic and polar, with alanine, which is neutral and non-polar, at codon 365 of the MYO7A protein (p.Asp365Ala). This variant is not present in population databases (gnomAD no frequency). This variant has not been reported in the literature in individuals affected with MYO7A-related conditions. ClinVar contains an entry for this variant (Variation ID: 870796). Advanced modeling of protein sequence and biophysical properties (such as structural, functional, and spatial information, amino acid conservation, physicochemical variation, residue mobility, and thermodynamic stability) performed at Invitae indicates that this missense variant is not expected to disrupt MYO7A protein function. In summary, the available evidence is currently insufficient to determine the role of this variant in disease. Therefore, it has been classified as a Variant of Uncertain Significance.

CeGaT Center for Human Genetics Tuebingen
Classification: Uncertain significance. Last evaluated: 2019-11-01. Review status: criteria provided, single submitter. Criteria: CeGaT Center For Human Genetics Tuebingen Variant Classification Criteria Version 2. Collection method: clinical testing. Allele origin: germline. Affected: yes. Observed: 2 variant alleles.